The following is an entry in ClinVar:

GRCh38/hg38 Xp22.32-22.2(chrX:4557134-10838424)x1

Genes: MID1 (midline 1; minus strand), MIR4767 (microRNA 4767; plus strand), MIR4770 (microRNA 4770; minus strand), MIR651 (microRNA 651; plus strand), NLGN4X (neuroligin 4 X-linked; minus strand) and 80 more. Cytogenetic location: Xp22.32-22.2.
Variant type: copy number loss.
Change: copy number 1 of chrX:4,557,134-10,838,424 (6.28 Mb, GRCh38 coordinates, 1-based), cytogenetic band Xp22.32-22.2.
Identifiers: ClinVar variation 59212 (VCV000059212.2).

ClinVar aggregate classification (germline): Pathogenic (1 of 4 stars; one submission).

Submission:

ISCA Site 6
Classification: Pathogenic. Last evaluated: 2011-08-12. Review status: criteria provided, single submitter. Criteria: Kaminsky et al. (Genet Med. 2011). Collection method: clinical testing. Allele origin: de novo. Affected: yes. Observed: 1 variant allele.
Comment: Copy number variation identified through the course of routine clinical cytogenomic testing in postnatal populations. Clinical assertions have been curated as described in Kaminsky et al. 2011.